The following is an entry in ClinVar:

ClinVar aggregate classification (germline): Uncertain significance. Review status: criteria provided, multiple submitters, no conflicts (2 of 4 stars). 6 submissions from 6 submitters: Uncertain significance (5). 1 of the submissions does not count toward it. Last evaluated 2026-01-21.

Conditions:
MYH6-related disorder. Also called: MYH6-related condition; MYH6-Related Disorders.
Hypertrophic cardiomyopathy 14. Identifiers: MedGen C2750467, MONDO:0013197, OMIM 613251.
Primary familial hypertrophic cardiomyopathy (HCM). Identifiers: Orphanet 99739, MedGen C0949658, MeSH D024741, MONDO:0024573. Inheritance: Various modes of inheritance.
Cardiovascular phenotype. Identifiers: MedGen CN230736.
Sick sinus syndrome 3, susceptibility to (SSS3). Identifiers: Orphanet 166282, MedGen C3279791, MONDO:0013568, OMIM 614090.
Hypertrophic cardiomyopathy 1 (CMH1). Also called: Familial hypertrophic cardiomyopathy 1; MYH7-Related Familial Hypertrophic Cardiomyopathy. Identifiers: MedGen C3495498, MONDO:0008647, OMIM 192600.
Dilated cardiomyopathy 1EE (CMD1EE). Identifiers: Orphanet 154, MedGen C2750466, MONDO:0013198, OMIM 613252.
Atrial septal defect 3 (ASD3). Identifiers: Orphanet 1478, MedGen C3279790, MONDO:0013567, OMIM 614089.

Allele frequency attached by ClinVar (database versions not stated): TOPMed 0.00002; gnomAD 0.00004; ExAC 0.00006; gnomAD exomes 0.00007; ESP Exome Variant Server 0.00008.
gnomAD v4.1: 122 of 1,324,786 alleles (0.0092%); highest among the groups gnomAD compares: East Asian, 0.014%; no homozygotes.

Submissions (6):

Labcorp Genetics (formerly Invitae), Labcorp
Classification: Uncertain significance for Hypertrophic cardiomyopathy 14. Last evaluated: 2026-01-21. Review status: criteria provided, single submitter. Criteria: Invitae Variant Classification Sherloc (09022015). Collection method: clinical testing. Allele origin: germline.
Comment: This sequence change replaces arginine, which is basic and polar, with glutamine, which is neutral and polar, at codon 1865 of the MYH6 protein (p.Arg1865Gln). This variant is present in population databases (rs138720701, gnomAD 0.01%). This missense change has been observed in individual(s) with congenital heart defects (PMID: 20656787). ClinVar contains an entry for this variant (Variation ID: 520531). An algorithm developed to predict the effect of missense changes on protein structure and function (PolyPhen-2) suggests that this variant is likely to be disruptive. In summary, the available evidence is currently insufficient to determine the role of this variant in disease. Therefore, it has been classified as a Variant of Uncertain Significance.

Ambry Genetics
Classification: Uncertain significance for Cardiovascular phenotype. Last evaluated: 2024-08-19. Review status: criteria provided, single submitter. Criteria: Ambry Variant Classification Scheme 2023. Collection method: clinical testing. Allele origin: germline.
Comment: The p.R1865Q variant (also known as c.5594G>A), located in coding exon 35 of the MYH6 gene, results from a G to A substitution at nucleotide position 5594. The arginine at codon 1865 is replaced by glutamine, an amino acid with highly similar properties. This alteration has also been reported in a hypertrophic cardiomyopathy (HCM) cohort; however, clinical details were limited (Lopes LR et al. Heart, 2015 Feb;101:294-301). This amino acid position is highly conserved in available vertebrate species. In addition, this alteration is predicted to be deleterious by in silico analysis. Since supporting evidence is limited at this time, the clinical significance of this alteration remains unclear.

GeneDx
Classification: Uncertain significance. Last evaluated: 2024-03-13. Review status: criteria provided, single submitter. Criteria: GeneDx Variant Classification Process June 2021. Collection method: clinical testing. Allele origin: germline. Affected: yes.
Comment: Identified in a patient with hypertrophic cardiomyopathy (HCM) who harbored an additional cardiogenetic variant and in a patient with secundum atrial septal defect (PMID: 23396983, 20656787); In silico analysis supports that this missense variant has a deleterious effect on protein structure/function; This variant is associated with the following publications: (PMID: 25351510, 20656787, 29762087, 35621855, 22955375, 29687901, 23396983)

Fulgent Genetics
Classification: Uncertain significance for Hypertrophic cardiomyopathy 1; Hypertrophic cardiomyopathy 14; Dilated cardiomyopathy 1EE; Atrial septal defect 3; Sick sinus syndrome 3, susceptibility to. Last evaluated: 2021-10-16. Review status: criteria provided, single submitter. Criteria: ACMG Guidelines, 2015. Collection method: clinical testing. Allele origin: unknown.

Molecular Diagnostic Laboratory for Inherited Cardiovascular Disease, Montreal Heart Institute
Classification: Uncertain significance for Primary familial hypertrophic cardiomyopathy. Last evaluated: 2016-08-30. Review status: criteria provided, single submitter. Criteria: ACMG Guidelines, 2015. Collection method: clinical testing. Allele origin: germline. Affected: yes.

PreventionGenetics, part of Exact Sciences
Classification: Uncertain significance for MYH6-related condition. Last evaluated: 2023-12-20. Review status: no assertion criteria provided. Collection method: clinical testing. Allele origin: germline. Not counted in ClinVar's aggregate classification.
Comment: The MYH6 c.5594G>A variant is predicted to result in the amino acid substitution p.Arg1865Gln. This variant was reported in an individual with hypertrophic cardiomyopathy (Table S1, Lopes et al. 2013. PubMed ID: 23396983). This variant was also reported in a family with a wide spectrum of congenital heart defects, including atrial septal defect, ventricular septal defect, and dilated inferior vena cava. However, this variant was also identified in an unaffected family member (Granados-Riveron et al. 2010. PubMed ID: 20656787). This variant is reported in 0.011% of alleles in individuals of European (Non-Finnish) descent in gnomAD. At this time, the clinical significance of this variant is uncertain due to the absence of conclusive functional and genetic evidence.

Literature cited by the submitters: PubMed 20656787 (cited by Labcorp Genetics (formerly Invitae), Labcorp and Ambry Genetics); PubMed 25351510 (cited by Ambry Genetics).

NM_002471.4(MYH6):c.5594G>A (p.Arg1865Gln)

Gene: MYH6 (myosin heavy chain 6; minus strand). Cytogenetic location: 14q11.2.
Variant type: single nucleotide variant.
Coding change: c.5594G>A on transcript NM_002471.4 (MANE Select); coding-DNA position 5594, G replaced by A.
Protein change: p.Arg1865Gln; replaces arginine 1865 with glutamine.
Molecular consequence: missense variant.
Genome position (GRCh38, 1-based): chr14:23,383,292, C>T on the plus strand (G>A on the coding strand, the complement: MYH6 is on the minus strand). VCF-style: chr14-23383292-C-T. GRCh37 (hg19) VCF-style: chr14-23852501-C-T.
Other names: short protein forms R1865Q.
Identifiers: ClinVar variation 520531 (VCV000520531.21), dbSNP rs138720701, ClinGen allele CA7114338.